The following is an entry in ClinVar:

NM_014641.3(MDC1):c.3537C>T (p.Thr1179=)

Genes: MDC1 (mediator of DNA damage checkpoint 1; minus strand), MDC1-AS1 (MDC1 antisense RNA 1; plus strand). Cytogenetic location: 6p21.33.
Variant type: single nucleotide variant.
Coding change: c.3537C>T on transcript NM_014641.3 (MANE Select); coding-DNA position 3537, C replaced by T.
Protein change: p.Thr1179=; no amino-acid change (threonine 1179 retained).
Molecular consequence: synonymous variant.
Genome position (GRCh38, 1-based): chr6:30,705,646, G>A on the plus strand (C>T on the coding strand, the complement: MDC1 is on the minus strand). VCF-style: chr6-30705646-G-A. GRCh37 (hg19) VCF-style: chr6-30673423-G-A.
Identifiers: ClinVar variation 3387954 (VCV003387954.14).

ClinVar aggregate classification (germline): Likely benign (1 of 4 stars; one submission).

Submission:

CeGaT Center for Human Genetics Tuebingen
Classification: Likely benign. Last evaluated: 2026-05-01. Review status: criteria provided, single submitter. Criteria: CeGaT Center For Human Genetics Tuebingen Variant Classification Criteria Version 2. Collection method: clinical testing. Allele origin: germline. Affected: yes. Observed: 2 variant alleles.
Comment: MDC1: BP4, BP7